The following is an entry in ClinVar:

NM_004183.4(BEST1):c.779del (p.Pro260fs)

Gene: BEST1 (bestrophin 1; plus strand). Cytogenetic location: 11q12.3.
Variant type: Deletion.
Coding change: c.779del on transcript NM_004183.4 (MANE Select); coding-DNA position 779, one base deleted (C; older notation c.779delC).
Protein change: p.Pro260fs; shifts the reading frame from proline 260.
Molecular consequence: frameshift variant. On other transcripts: non-coding transcript variant (1).
Genome position (GRCh38, 1-based): chr11:61,958,210, C deleted; the last of 3 consecutive C bases (chr11:61,958,208-61,958,210); deleting any one gives the same sequence. VCF-style (leftmost placement, unchanged base first): chr11-61958207-AC-A. GRCh37 (hg19) VCF-style: chr11-61725679-AC-A.
Other names: c.599delC, p.Pro200Glnfs (NM_001139443.3); c.599del, p.Pro200fs (NM_001300786.2, NM_001300787.2); c.461delC, p.Pro154Glnfs (NM_001363591.3); c.779delC, p.Pro260Glnfs (NM_001363592.2); c.-397delC (NM_001363593.3); short protein forms P260fs, P154fs, P200fs.
Identifiers: ClinVar variation 817618 (VCV000817618.50), dbSNP rs778645644, ClinGen allele CA6040854.

ClinVar aggregate classification (germline): Pathogenic. Review status: criteria provided, multiple submitters, no conflicts (2 of 4 stars). 5 submissions from 5 submitters: Pathogenic (5). Last evaluated 2025-05-14.

Conditions:
Retinal dystrophy. Also called: Inherited retinal dystrophy. Identifiers: Orphanet 71862, MedGen C0854723, MeSH D058499, MONDO:0019118, HP:0000556.

Submissions (5):

Labcorp Genetics (formerly Invitae), Labcorp
Classification: Pathogenic. Last evaluated: 2025-05-14. Review status: criteria provided, single submitter. Criteria: Invitae Variant Classification Sherloc (09022015). Collection method: clinical testing. Allele origin: germline.
Comment: This sequence change creates a premature translational stop signal (p.Pro260Glnfs*29) in the BEST1 gene. It is expected to result in an absent or disrupted protein product. Loss-of-function variants in BEST1 are known to be pathogenic (PMID: 21825197). This variant is present in population databases (rs778645644, gnomAD 0.005%). This premature translational stop signal has been observed in individual(s) with autosomal recessive BEST1-related conditions (PMID: 23096145, 32141364). This variant has been reported in individual(s) with autosomal dominant Best vitelliform macular dystrophy (PMID: 14517959); however, the role of the variant in this condition is currently unclear. ClinVar contains an entry for this variant (Variation ID: 817618). For these reasons, this variant has been classified as Pathogenic.

Institute of Medical Genetics and Applied Genomics, University Hospital Tübingen
Classification: Pathogenic. Last evaluated: 2020-10-23. Review status: criteria provided, single submitter. Criteria: ACMG Guidelines, 2015. Collection method: clinical testing. Allele origin: germline. Inheritance: Unknown mechanism. Affected: yes.

Institute of Human Genetics, Univ. Regensburg, Univ. Regensburg
Classification: Pathogenic for Retinal dystrophy. Last evaluated: 2019-01-01. Review status: criteria provided, single submitter. Criteria: ACMG Guidelines, 2015. Collection method: clinical testing. Allele origin: germline. Affected: yes.

GeneDx
Classification: Pathogenic. Last evaluated: 2018-08-03. Review status: criteria provided, single submitter. Criteria: GeneDx Variant Classification (06012015). Collection method: clinical testing. Allele origin: germline. Affected: yes.
Comment: The c.779delC variant has been reported previously in association with Best macular dystrophy and autosomal recessive bestrophinopathy (Kramer et al., 2003; Preising et al., 2012). The deletion causes a frameshift starting with codon Proline 260, changes this amino acid to a Glutamine residue and creates a premature Stop codon at position 29 of the new reading frame, denoted p.Pro260GlnfsX29. This variant is predicted to cause loss of normal protein function either through protein truncation or nonsense-mediated mRNA decay. The variant is observed in 6/126698 (0.0047%) alleles from individuals of European background in large population cohorts (Lek et al., 2016). We consider this variant to be pathogenic.

CeGaT Center for Human Genetics Tuebingen
Classification: Pathogenic. Last evaluated: 2016-11-01. Review status: criteria provided, single submitter. Criteria: CeGaT Center For Human Genetics Tuebingen Variant Classification Criteria Version 2. Collection method: clinical testing. Allele origin: germline. Affected: yes. Observed: 1 variant allele.

Literature cited by the submitters: PubMed 21825197 (cited by Labcorp Genetics (formerly Invitae), Labcorp); PubMed 23096145 (cited by Labcorp Genetics (formerly Invitae), Labcorp and Institute of Human Genetics, Univ. Regensburg, Univ. Regensburg); PubMed 32141364 (cited by Labcorp Genetics (formerly Invitae), Labcorp and Institute of Human Genetics, Univ. Regensburg, Univ. Regensburg); PubMed 14517959 (cited by Labcorp Genetics (formerly Invitae), Labcorp and Institute of Human Genetics, Univ. Regensburg, Univ. Regensburg); PubMed 32531858 (cited by Institute of Human Genetics, Univ. Regensburg, Univ. Regensburg); PubMed 34327816 (cited by Institute of Human Genetics, Univ. Regensburg, Univ. Regensburg).